The following is an entry in ClinVar:

NM_001009999.3(KDM1A):c.1927G>A (p.Asp643Asn)

Gene: KDM1A (lysine demethylase 1A; plus strand). Cytogenetic location: 1p36.12.
Variant type: single nucleotide variant.
Coding change: c.1927G>A on transcript NM_001009999.3 (MANE Select); coding-DNA position 1927, G replaced by A.
Protein change: p.Asp643Asn; replaces aspartic acid 643 with asparagine.
Molecular consequence: missense variant.
Genome position (GRCh38, 1-based): chr1:23,079,049, G>A. VCF-style: chr1-23079049-G-A. GRCh37 (hg19) VCF-style: chr1-23405542-G-A.
Other names: c.1873G>A, p.Asp625Asn (NM_001363654.2); c.1933G>A, p.Asp645Asn (NM_001410762.1); c.1855G>A, p.Asp619Asn (NM_001410763.1, NM_015013.4); short protein forms D619N, D625N, D645N, D643N.
Identifiers: ClinVar variation 3863295 (VCV003863295.1).

ClinVar aggregate classification (germline): Uncertain significance (1 of 4 stars; one submission).

Conditions:
Inborn genetic diseases. Identifiers: MedGen C0950123, MeSH D030342.

gnomAD v4.1: 5 of 1,614,126 alleles (0.00031%); highest among the groups gnomAD compares: Admixed American, 0.0017%; no homozygotes.

Submission:

Ambry Genetics
Classification: Uncertain significance for Inborn genetic diseases. Last evaluated: 2025-01-30. Review status: criteria provided, single submitter. Criteria: Ambry Variant Classification Scheme 2023. Collection method: clinical testing. Allele origin: germline.
Comment: The p.D643N variant (also known as c.1927G>A), located in coding exon 17 of the KDM1A gene, results from a G to A substitution at nucleotide position 1927. The aspartic acid at codon 643 is replaced by asparagine, an amino acid with highly similar properties. This amino acid position is conserved. In addition, this alteration is predicted to be deleterious by in silico analysis. Based on the available evidence, the clinical significance of this variant remains unclear.